The following is an entry in ClinVar:

NM_024426.6(WT1):c.1476A>G (p.Pro492=)

Gene: WT1 (WT1 transcription factor; minus strand). Cytogenetic location: 11p13.
Variant type: single nucleotide variant.
Coding change: c.1476A>G on transcript NM_024426.6 (MANE Select); coding-DNA position 1476, A replaced by G.
Protein change: p.Pro492=; no amino-acid change (proline 492 retained).
Molecular consequence: synonymous variant. On other transcripts: non-coding transcript variant (2).
Genome position (GRCh38, 1-based): chr11:32,389,151, T>C on the plus strand (A>G on the coding strand, the complement: WT1 is on the minus strand). VCF-style: chr11-32389151-T-C. GRCh37 (hg19) VCF-style: chr11-32410697-T-C.
Other names: c.1461A>G (NM_024426.4); c.1416A>G, p.Pro472= (NM_000378.6); c.816A>G, p.Pro272= (NM_001198551.2); c.774A>G, p.Pro258= (NM_001198552.2); c.288A>G, p.Pro96= (NM_001367854.1); c.1461A>G, p.Pro487= (NM_001407044.1); c.1425A>G, p.Pro475= (NM_001407045.1); c.1383A>G, p.Pro461= (NM_001407046.1); and 7 more.
Identifiers: ClinVar variation 1666304 (VCV001666304.11), dbSNP rs2132899419, ClinGen allele CA473564601.

ClinVar aggregate classification (germline): Likely benign. Review status: criteria provided, multiple submitters, no conflicts (2 of 4 stars). 3 submissions from 3 submitters: Likely benign (3). Last evaluated 2025-08-31.

Conditions:
Wilms tumor 1 (WT1). Also called: Wilms tumor, somatic. Identifiers: Orphanet 654, MedGen CN033288, MONDO:0008679, OMIM 194070.
11p partial monosomy syndrome (WAGR). Also called: WAGR Complex; WAGR syndrome; CHROMOSOME 11p13 DELETION SYNDROME; WAGR Spectrum Disorder. Identifiers: Orphanet 893, MedGen C0206115, MONDO:0008681, OMIM 194072.
Drash syndrome (DDS). Also called: WILMS TUMOR AND PSEUDO- OR TRUE HERMAPHRODITISM; NEPHROPATHY, WILMS TUMOR, AND GENITAL ANOMALIES. Identifiers: Orphanet 220, MedGen C0950121, MONDO:0008682, OMIM 194080.
Frasier syndrome. Identifiers: Orphanet 347, MedGen C0950122, MeSH D052159, MONDO:0007635, OMIM 136680.
Inborn genetic diseases. Identifiers: MedGen C0950123, MeSH D030342.

Submissions (3):

Ambry Genetics
Classification: Likely benign for Inborn genetic diseases. Last evaluated: 2025-08-31. Review status: criteria provided, single submitter. Criteria: Ambry Variant Classification Scheme 2023. Collection method: clinical testing. Allele origin: germline.

All of Us Research Program, National Institutes of Health
Classification: Likely benign for Wilms tumor 1. Last evaluated: 2023-05-30. Review status: criteria provided, single submitter. Criteria: ACMG Guidelines, 2015. Collection method: clinical testing. Allele origin: germline. Inheritance: Autosomal dominant inheritance. Observed: 1 variant allele, 1 heterozygote.
Comment: This study involves interpretation of variants in research participants for the purpose of population health screening. Participant phenotype was not available at the time of variant classification. Additional details can be found in publication PMID: 35346344, PMCID: PMC8962531

Labcorp Genetics (formerly Invitae), Labcorp
Classification: Likely benign for Wilms tumor 1; Drash syndrome; 11p partial monosomy syndrome; Frasier syndrome. Last evaluated: 2021-10-01. Review status: criteria provided, single submitter. Criteria: Invitae Variant Classification Sherloc (09022015). Collection method: clinical testing. Allele origin: germline.